The following is an entry in ClinVar:

ClinVar aggregate classification (germline): Uncertain significance. Review status: criteria provided, multiple submitters, no conflicts (2 of 4 stars). 2 submissions from 2 submitters: Uncertain significance (2). Last evaluated 2025-01-21.

Allele frequency attached by ClinVar (database versions not stated): ExAC 0.00001; TOPMed 0.00001; gnomAD 0.00001; gnomAD exomes 0.00001.
gnomAD v4.1: 10 of 1,610,734 alleles (0.00062%); highest among the groups gnomAD compares: Non-Finnish European, 0.00025%; no homozygotes.

Submissions (2):

Revvity Omics, Revvity
Classification: Uncertain significance. Last evaluated: 2025-01-21. Review status: criteria provided, single submitter. Criteria: ACMG Guidelines, 2015. Collection method: clinical testing. Allele origin: germline.

GeneDx
Classification: Uncertain significance. Last evaluated: 2024-04-23. Review status: criteria provided, single submitter. Criteria: GeneDx Variant Classification Process June 2021. Collection method: clinical testing. Allele origin: germline. Affected: yes.
Comment: In silico analysis indicates that this missense variant does not alter protein structure/function; Has not been previously published as pathogenic or benign to our knowledge; This variant is associated with the following publications: (PMID: 22253258)

NM_000152.5(GAA):c.158A>G (p.His53Arg)

Gene: GAA (alpha glucosidase; plus strand). Cytogenetic location: 17q25.3.
Variant type: single nucleotide variant.
Coding change: c.158A>G on transcript NM_000152.5 (MANE Select); coding-DNA position 158, A replaced by G.
Protein change: p.His53Arg; replaces histidine 53 with arginine.
Molecular consequence: missense variant.
Genome position (GRCh38, 1-based): chr17:80,104,744, A>G. VCF-style: chr17-80104744-A-G. GRCh37 (hg19) VCF-style: chr17-78078543-A-G.
Other names: c.158A>G, p.His53Arg (NM_001079803.3, NM_001079804.3, NM_001406741.1 and 1 more transcripts); short protein forms H53R.
Identifiers: ClinVar variation 2441614 (VCV002441614.4), dbSNP rs780554430, ClinGen allele CA8814797.